The following is an entry in ClinVar:

NM_024685.4(BBS10):c.574C>T (p.Gln192Ter)

Gene: BBS10 (Bardet-Biedl syndrome 10; minus strand). Cytogenetic location: 12q21.2.
Variant type: single nucleotide variant.
Coding change: c.574C>T on transcript NM_024685.4 (MANE Select); coding-DNA position 574, C replaced by T.
Protein change: p.Gln192Ter; replaces glutamine 192 with a stop codon.
Molecular consequence: nonsense.
Genome position (GRCh38, 1-based): chr12:76,347,411, G>A on the plus strand (C>T on the coding strand, the complement: BBS10 is on the minus strand). VCF-style: chr12-76347411-G-A. GRCh37 (hg19) VCF-style: chr12-76741191-G-A.
Other names: c.574C>T, p.Gln192Ter (LRG_1255t1); short protein forms Q192*.
Identifiers: ClinVar variation 371326 (VCV000371326.8), dbSNP rs1057517184, ClinGen allele CA16041585.

ClinVar aggregate classification (germline): Pathogenic/Likely pathogenic. Review status: criteria provided, multiple submitters, no conflicts (2 of 4 stars). 3 submissions from 3 submitters: Pathogenic (1); Likely pathogenic (1). 1 of the submissions does not count toward it. Last evaluated 2022-08-06.

Conditions:
BBS10-related disorder. Also called: BBS10-related condition.
Bardet-Biedl syndrome (BBS). Identifiers: Orphanet 110, MedGen C0752166, MONDO:0015229.
Bardet-Biedl syndrome 10 (BBS10). Identifiers: Orphanet 110, MedGen C1859568, MONDO:0014438, OMIM 615987.

Submissions (3):

Labcorp Genetics (formerly Invitae), Labcorp
Classification: Pathogenic for Bardet-Biedl syndrome. Last evaluated: 2022-08-06. Review status: criteria provided, single submitter. Criteria: Invitae Variant Classification Sherloc (09022015). Collection method: clinical testing. Allele origin: germline.
Comment: For these reasons, this variant has been classified as Pathogenic. This variant disrupts a region of the BBS10 protein in which other variant(s) (p.Val707*) have been determined to be pathogenic (PMID: 20472660, 22773737, 25982971, 27486776). This suggests that this is a clinically significant region of the protein, and that variants that disrupt it are likely to be disease-causing. ClinVar contains an entry for this variant (Variation ID: 371326). This variant has not been reported in the literature in individuals affected with BBS10-related conditions. This variant is not present in population databases (gnomAD no frequency). This sequence change creates a premature translational stop signal (p.Gln192*) in the BBS10 gene. While this is not anticipated to result in nonsense mediated decay, it is expected to disrupt the last 532 amino acid(s) of the BBS10 protein.

Blueprint Genetics
Classification: Likely pathogenic for BBS10-related disorders. Last evaluated: 2021-01-11. Review status: criteria provided, single submitter. Criteria: ACMG Guidelines, 2015. Collection method: clinical testing. Allele origin: germline. Affected: yes. Observed: 1 variant allele.

Counsyl
Classification: Likely pathogenic for Bardet-Biedl syndrome 10. Last evaluated: 2016-08-30. Review status: no assertion criteria provided. Collection method: clinical testing. Allele origin: unknown. Not counted in ClinVar's aggregate classification.

Literature cited by the submitters: PubMed 20472660 (cited by Labcorp Genetics (formerly Invitae), Labcorp); PubMed 22773737 (cited by Labcorp Genetics (formerly Invitae), Labcorp); PubMed 25982971 (cited by Labcorp Genetics (formerly Invitae), Labcorp); PubMed 27486776 (cited by Labcorp Genetics (formerly Invitae), Labcorp).